The following is an entry in ClinVar:

ClinVar aggregate classification (germline): Uncertain significance. Review status: criteria provided, multiple submitters, no conflicts (2 of 4 stars). 2 submissions from 2 submitters: Uncertain significance (2). Last evaluated 2022-11-08.

Allele frequency attached by ClinVar (database versions not stated): gnomAD exomes below 0.00001; TOPMed below 0.00001.
gnomAD v4.1: 1 of 1,603,898 alleles (0.000062%); highest among the groups gnomAD compares: Admixed American, 0.0017%; no homozygotes.

Submissions (2):

Labcorp Genetics (formerly Invitae), Labcorp
Classification: Uncertain significance. Last evaluated: 2022-11-08. Review status: criteria provided, single submitter. Criteria: Invitae Variant Classification Sherloc (09022015). Collection method: clinical testing. Allele origin: germline.
Comment: This sequence change replaces asparagine, which is neutral and polar, with lysine, which is basic and polar, at codon 458 of the MYO7A protein (p.Asn458Lys). This variant is present in population databases (no rsID available, gnomAD 0.003%). In summary, the available evidence is currently insufficient to determine the role of this variant in disease. Therefore, it has been classified as a Variant of Uncertain Significance. Advanced modeling of protein sequence and biophysical properties (such as structural, functional, and spatial information, amino acid conservation, physicochemical variation, residue mobility, and thermodynamic stability) performed at Invitae indicates that this missense variant is expected to disrupt MYO7A protein function. ClinVar contains an entry for this variant (Variation ID: 504950). This variant has not been reported in the literature in individuals affected with MYO7A-related conditions.

Laboratory for Molecular Medicine, Mass General Brigham Personalized Medicine
Classification: Uncertain significance. Last evaluated: 2016-05-10. Review status: criteria provided, single submitter. Criteria: LMM Criteria. Collection method: clinical testing. Allele origin: germline. Observed: 1 variant allele.
Comment: The p.Asn458Lys variant in MYO7A has not been previously reported in individuals with hearing loss or Usher syndrome; however, a different variant at this amino acid position (p.Asn458Ile) has been previously reported in an individual with autosomal dominant hearing loss that segregated in 8 affected family members (Lu ijendijk 2004). Data from large population studies is insufficient to assess th e frequency of the p.Asn458Lys or the p.Asn458Ile variant. Computational predict ion tools and conservation analysis do not provide strong support for or against an impact to the protein. In summary, the clinical significance of the p.Asn458 Lys variant is uncertain.

Literature cited by the submitters: PubMed 15221449 (cited by Laboratory for Molecular Medicine, Mass General Brigham Personalized Medicine).

NM_000260.4(MYO7A):c.1374T>G (p.Asn458Lys)

Gene: MYO7A (myosin VIIA; plus strand). Cytogenetic location: 11q13.5.
Variant type: single nucleotide variant.
Coding change: c.1374T>G on transcript NM_000260.4 (MANE Select); coding-DNA position 1374, T replaced by G.
Protein change: p.Asn458Lys; replaces asparagine 458 with lysine.
Molecular consequence: missense variant.
Genome position (GRCh38, 1-based): chr11:77,162,150, T>G. VCF-style: chr11-77162150-T-G. GRCh37 (hg19) VCF-style: chr11-76873196-T-G.
Other names: c.1374T>G, p.Asn458Lys (NM_001127180.2); c.1341T>G, p.Asn447Lys (NM_001369365.1); short protein forms N458K, N447K.
Identifiers: ClinVar variation 504950 (VCV000504950.9), dbSNP rs782293740, ClinGen allele CA381935258.